The following is an entry in ClinVar:

NM_000064.4(C3):c.2245+17G>A

Gene: C3 (complement C3; minus strand). Cytogenetic location: 19p13.3.
Variant type: single nucleotide variant.
Coding change: c.2245+17G>A on transcript NM_000064.4 (MANE Select); 17 bases into the intron after coding-DNA position 2245, G replaced by A.
Molecular consequence: intron variant.
Genome position (GRCh38, 1-based): chr19:6,707,059, C>T on the plus strand (G>A on the coding strand, the complement: C3 is on the minus strand). VCF-style: chr19-6707059-C-T. GRCh37 (hg19) VCF-style: chr19-6707070-C-T.
Identifiers: ClinVar variation 2036671 (VCV002036671.4), dbSNP rs2512257830, ClinGen allele CA2580097021.
Genomic context (GRCh38, chr19:6,707,059, plus strand): 5'-CATCCTCCCTCCTCAGACAGGAGTCTCCTCCCCCATCAGACGGCCCCCTCCCCCTGTCCC[C>T]ACCCCGTGGGACCTACTCCTGGCCAGGCCCAGGTGGCTGGCCCGCGCGTGCTGCCGCCGC-3'

ClinVar aggregate classification (germline): Uncertain significance (1 of 4 stars; one submission).

Submission:

Labcorp Genetics (formerly Invitae), Labcorp
Classification: Uncertain significance. Last evaluated: 2022-10-23. Review status: criteria provided, single submitter. Criteria: Invitae Variant Classification Sherloc (09022015). Collection method: clinical testing. Allele origin: germline.
Comment: This sequence change falls in intron 17 of the C3 gene. It does not directly change the encoded amino acid sequence of the C3 protein. This variant is not present in population databases (gnomAD no frequency). This variant has not been reported in the literature in individuals affected with C3-related conditions. Algorithms developed to predict the effect of sequence changes on RNA splicing suggest that this variant may create or strengthen a splice site. In summary, the available evidence is currently insufficient to determine the role of this variant in disease. Therefore, it has been classified as a Variant of Uncertain Significance.